The following is an entry in ClinVar:

ClinVar aggregate classification (germline): Likely benign. Review status: criteria provided, multiple submitters, no conflicts (2 of 4 stars). 3 submissions from 3 submitters: Likely benign (2). 1 of the submissions does not count toward it. Last evaluated 2025-12-08.

Conditions:
COQ7-related disorder. Also called: COQ7-related condition.

Allele frequency attached by ClinVar (database versions not stated): gnomAD 0.00001 and 0.00002; TOPMed 0.00002; ESP Exome Variant Server 0.00015.
gnomAD v4.1: 205 of 1,588,452 alleles (0.013%); highest among the groups gnomAD compares: East Asian, 0.097%; 1 homozygote.

Submissions (3):

Labcorp Genetics (formerly Invitae), Labcorp
Classification: Likely benign. Last evaluated: 2025-12-08. Review status: criteria provided, single submitter. Criteria: Invitae Variant Classification Sherloc (09022015). Collection method: clinical testing. Allele origin: germline.

Blueprint Genetics
Classification: Likely benign. Last evaluated: 2022-05-27. Review status: criteria provided, single submitter. Criteria: ACMG Guidelines, 2015. Collection method: clinical testing. Allele origin: germline.

PreventionGenetics, part of Exact Sciences
Classification: Likely benign for COQ7-related condition. Last evaluated: 2019-10-01. Review status: no assertion criteria provided. Collection method: clinical testing. Allele origin: germline. Not counted in ClinVar's aggregate classification.
Comment: This variant is classified as likely benign based on ACMG/AMP sequence variant interpretation guidelines (Richards et al. 2015 PMID: 25741868, with internal and published modifications).

NM_016138.5(COQ7):c.387C>T (p.Leu129=)

Gene: COQ7 (coenzyme Q7, hydroxylase; plus strand). Cytogenetic location: 16p12.3.
Variant type: single nucleotide variant.
Coding change: c.387C>T on transcript NM_016138.5 (MANE Select); coding-DNA position 387, C replaced by T.
Protein change: p.Leu129=; no amino-acid change (leucine 129 retained).
Molecular consequence: synonymous variant. On other transcripts: non-coding transcript variant (3).
Genome position (GRCh38, 1-based): chr16:19,075,740, C>T. VCF-style: chr16-19075740-C-T. GRCh37 (hg19) VCF-style: chr16-19087062-C-T.
Other names: c.273C>T, p.Leu91= (NM_001190983.2, NM_001370492.1, NM_001370493.1 and 2 more transcripts); c.345C>T, p.Leu115= (NM_001370489.1, NM_001370491.1); c.387C>T, p.Leu129= (NM_001370490.1).
Identifiers: ClinVar variation 749832 (VCV000749832.11), dbSNP rs201800620, ClinGen allele CA7933011.